The following is an entry in ClinVar:

NM_014846.4(WASHC5):c.186+1G>C

Gene: WASHC5 (WASH complex subunit 5; minus strand). Cytogenetic location: 8q24.13.
Variant type: single nucleotide variant.
Coding change: c.186+1G>C on transcript NM_014846.4 (MANE Select); the canonical splice donor site of the intron after coding-DNA position 186, G replaced by C.
Molecular consequence: splice donor variant. On other transcripts: intron variant (1).
Genome position (GRCh38, 1-based): chr8:125,083,712, C>G on the plus strand (G>C on the coding strand, the complement: WASHC5 is on the minus strand). VCF-style: chr8-125083712-C-G. GRCh37 (hg19) VCF-style: chr8-126095954-C-G.
Other names: c.-258-454G>C (NM_001330609.2).
Identifiers: ClinVar variation 1985363 (VCV001985363.4), dbSNP rs758391206, ClinGen allele CA4874202.

ClinVar aggregate classification (germline): Likely pathogenic (1 of 4 stars; one submission).

Conditions:
Hereditary spastic paraplegia 8 (SPG8). Also called: SPASTIC PARAPLEGIA 8, AUTOSOMAL DOMINANT. Identifiers: Orphanet 100989, MedGen C1863704, MONDO:0011339, OMIM 603563.
Ritscher-Schinzel syndrome. Also called: CRANIOCEREBELLOCARDIAC DYSPLASIA. Identifiers: Orphanet 7, MedGen C0796137, MONDO:0019078.

Allele frequency attached by ClinVar (database versions not stated): gnomAD 0.00001; TOPMed 0.00002.
gnomAD v4.1: 7 of 1,607,706 alleles (0.00044%); highest among the groups gnomAD compares: Non-Finnish European, 0.0006%; no homozygotes.

Submission:

Labcorp Genetics (formerly Invitae), Labcorp
Classification: Likely pathogenic for Ritscher-Schinzel syndrome; Hereditary spastic paraplegia 8. Last evaluated: 2025-11-12. Review status: criteria provided, single submitter. Criteria: Invitae Variant Classification Sherloc (09022015). Collection method: clinical testing. Allele origin: germline.
Comment: This sequence change affects a donor splice site in intron 2 of the WASHC5 gene. It is expected to disrupt RNA splicing. Variants that disrupt the donor or acceptor splice site typically lead to a loss of protein function (PMID: 16199547), and loss-of-function variants in WASHC5 are known to be pathogenic (PMID: 24065355). This variant is present in population databases (rs758391206, gnomAD 0.0009%). This variant has not been reported in the literature in individuals affected with WASHC5-related conditions. ClinVar contains an entry for this variant (Variation ID: 1985363). Algorithms developed to predict the effect of sequence changes on RNA splicing suggest that this variant may disrupt the consensus splice site. In summary, the currently available evidence indicates that the variant is pathogenic, but additional data are needed to prove that conclusively. Therefore, this variant has been classified as Likely Pathogenic.

Literature cited by the submitters: PubMed 16199547; PubMed 24065355.